The following is an entry in ClinVar:

ClinVar aggregate classification (germline): Likely benign (1 of 4 stars; one submission).

Conditions:
BAZ1A-related disorder. Also called: BAZ1A-related condition.

gnomAD v4.1: 922 of 1,614,140 alleles (0.057%); highest among the groups gnomAD compares: Middle Eastern, 0.69%; 3 homozygotes.

Submission:

PreventionGenetics, part of Exact Sciences
Classification: Likely benign for BAZ1A-related condition. Last evaluated: 2026-02-02. Review status: criteria provided, single submitter. Criteria: ACMG Guidelines, 2015. Collection method: clinical testing. Allele origin: germline.
Comment: This variant is classified as likely benign based on ACMG/AMP sequence variant interpretation guidelines (Richards et al. 2015 PMID: 25741868, with internal and published modifications).

NM_013448.3(BAZ1A):c.1285C>T (p.Leu429=)

Gene: BAZ1A (bromodomain adjacent to zinc finger domain 1A; minus strand). Cytogenetic location: 14q13.1.
Variant type: single nucleotide variant.
Coding change: c.1285C>T on transcript NM_013448.3 (MANE Select); coding-DNA position 1285, C replaced by T.
Protein change: p.Leu429=; no amino-acid change (leucine 429 retained).
Molecular consequence: synonymous variant.
Genome position (GRCh38, 1-based): chr14:34,794,827, G>A on the plus strand (C>T on the coding strand, the complement: BAZ1A is on the minus strand). VCF-style: chr14-34794827-G-A. GRCh37 (hg19) VCF-style: chr14-35264033-G-A.
Other names: c.1285C>T, p.Leu429= (NM_182648.2).
Identifiers: ClinVar variation 4980108 (VCV004980108.1).